The following is an entry in ClinVar:

NM_020975.6(RET):c.1098G>T (p.Glu366Asp)

Gene: RET (ret proto-oncogene; plus strand). Cytogenetic location: 10q11.21.
Variant type: single nucleotide variant.
Coding change: c.1098G>T on transcript NM_020975.6 (MANE Select); coding-DNA position 1098, G replaced by T.
Protein change: p.Glu366Asp; replaces glutamic acid 366 with aspartic acid.
Molecular consequence: missense variant. On other transcripts: intron variant (18).
Genome position (GRCh38, 1-based): chr10:43,109,065, G>T. VCF-style: chr10-43109065-G-T. GRCh37 (hg19) VCF-style: chr10-43604513-G-T.
Other names: c.336G>T, p.Glu112Asp (NM_001355216.2); c.1098G>T, p.Glu366Asp (NM_001406743.1, NM_001406744.1, NM_001406759.1 and 4 more transcripts); c.810G>T, p.Glu270Asp (NM_001406770.1, NM_001406766.1, NM_001406767.1); c.660G>T, p.Glu220Asp (NM_001406771.1, NM_001406773.1); c.372G>T, p.Glu124Asp (NM_001406775.1, NM_001406776.1, NM_001406777.1 and 1 more transcripts); c.108G>T, p.Glu36Asp (NM_001406784.1); c.969G>T, p.Glu323Asp (NM_001406761.1, NM_001406762.1, NM_001406764.1 and 1 more transcripts); c.868-2142G>T (NM_001406772.1, NM_001406769.1); and 5 more; short protein forms E366D, E36D, E270D, E323D, E124D, E112D, E220D.
Identifiers: ClinVar variation 3718912 (VCV003718912.1).

ClinVar aggregate classification (germline): Uncertain significance (1 of 4 stars; one submission).

Conditions:
Multiple endocrine neoplasia, type 2 (MEN2). Identifiers: Orphanet 653, MedGen C4048306, MONDO:0019003. Disease mechanism: gain of function.

gnomAD v4.1: 3 of 1,613,646 alleles (0.00019%); highest among the groups gnomAD compares: East Asian, 0.0022%; no homozygotes.

Submission:

Labcorp Genetics (formerly Invitae), Labcorp
Classification: Uncertain significance for Multiple endocrine neoplasia, type 2. Last evaluated: 2024-04-03. Review status: criteria provided, single submitter. Criteria: Invitae Variant Classification Sherloc (09022015). Collection method: clinical testing. Allele origin: germline.
Comment: This sequence change replaces glutamic acid, which is acidic and polar, with aspartic acid, which is acidic and polar, at codon 366 of the RET protein (p.Glu366Asp). This variant is present in population databases (no rsID available, gnomAD 0.006%). This variant has not been reported in the literature in individuals affected with RET-related conditions. An algorithm developed to predict the effect of missense changes on protein structure and function (PolyPhen-2) suggests that this variant is likely to be disruptive. In summary, the available evidence is currently insufficient to determine the role of this variant in disease. Therefore, it has been classified as a Variant of Uncertain Significance.